The following is an entry in ClinVar:

NM_001267550.2(TTN):c.100295G>A (p.Arg33432His)

Genes: TTN (titin; minus strand), TTN-AS1 (TTN antisense RNA 1; plus strand), LOC126806420 (BRD4-independent group 4 enhancer GRCh37_chr2:179401104-179402303; plus strand). Cytogenetic location: 2q31.2.
Variant type: single nucleotide variant.
Coding change: c.100295G>A on transcript NM_001267550.2 (MANE Select); coding-DNA position 100295, G replaced by A.
Protein change: p.Arg33432His; replaces arginine 33432 with histidine.
Molecular consequence: missense variant.
Genome position (GRCh38, 1-based): chr2:178,536,452, C>T on the plus strand (G>A on the coding strand, the complement: TTN is on the minus strand). VCF-style: chr2-178536452-C-T. GRCh37 (hg19) VCF-style: chr2-179401179-C-T.
Other names: p.Arg30864His; c.95372G>A, p.Arg31791His (NM_001256850.1); c.73100G>A, p.Arg24367His (NM_003319.4); c.92591G>A, p.Arg30864His (NM_133378.4); c.73475G>A, p.Arg24492His (NM_133432.3); c.73676G>A, p.Arg24559His (NM_133437.4); short protein forms R30864H, R33432H, R24367H, R24492H, R24559H, R31791H.
Identifiers: ClinVar variation 284250 (VCV000284250.15), dbSNP rs374876608, ClinGen allele CA1986047.
Genomic context (GRCh38, chr2:178,536,452, plus strand): 5'-AAGACAGTTTCTCGAATTTCTTCTGTTGTCACAGAAATCCATTTATTCTGCTTCTTCTCA[C>T]GCTTCTCAAGGTAGTAATTTCTAATCTTTGCACCTCCATCACTGGCAGGTGGCTTCCAGG-3'
Protein context (NP_001254479.2, residues 33422-33442): AKIRNYYLEK[Arg33432His]EKKQNKWISV

ClinVar aggregate classification (germline): Conflicting classifications of pathogenicity. Review status: criteria provided, conflicting classifications (1 of 4 stars). 6 submissions from 6 submitters: Uncertain significance (5); Likely benign (1). Last evaluated 2025-08-12.

Conditions:
Dilated cardiomyopathy 1G (CMD1G). Identifiers: Orphanet 154, MedGen C1858763, MONDO:0011400, OMIM 604145.
Autosomal recessive limb-girdle muscular dystrophy type 2J (LGMDR10). Also called: Limb-girdle muscular dystrophy, type 2J; MUSCULAR DYSTROPHY, LIMB-GIRDLE, AUTOSOMAL RECESSIVE 10. Identifiers: Orphanet 140922, MedGen C1837342, MONDO:0012127, OMIM 608807.
TTN-related disorder. Also called: TTN-related condition; TTN-related disease; TTN-related disorders.
Cardiovascular phenotype. Identifiers: MedGen CN230736.

Allele frequency attached by ClinVar (database versions not stated): gnomAD exomes 0.00005 and 0.00006; ESP Exome Variant Server 0.00008; gnomAD 0.00019 and 0.00003; TOPMed 0.00025; ExAC 0.00003.
gnomAD v4.1: 91 of 1,610,442 alleles (0.0057%); highest among the groups gnomAD compares: South Asian, 0.026%; 1 homozygote.

Submissions (6):

PreventionGenetics, part of Exact Sciences
Classification: Uncertain significance for TTN-related condition. Last evaluated: 2025-08-12. Review status: criteria provided, single submitter. Criteria: ACMG Guidelines, 2015. Collection method: clinical testing. Allele origin: germline.
Comment: The TTN c.100295G>A variant is predicted to result in the amino acid substitution p.Arg33432His. To our knowledge, this variant has not been reported in the literature. This variant is reported in 0.030% of alleles in individuals of South Asian descent in gnomAD. At this time, the clinical significance of this variant is uncertain due to the absence of conclusive functional and genetic evidence.

Mayo Clinic Laboratories, Mayo Clinic
Classification: Uncertain significance. Last evaluated: 2024-04-08. Review status: criteria provided, single submitter. Criteria: ACMG Guidelines, 2015. Collection method: clinical testing. Allele origin: germline. Observed: 1 variant allele.

Ambry Genetics
Classification: Likely benign for Cardiovascular phenotype. Last evaluated: 2023-01-03. Review status: criteria provided, single submitter. Criteria: Ambry Variant Classification Scheme 2023. Collection method: clinical testing. Allele origin: germline.

Revvity Omics, Revvity
Classification: Uncertain significance. Last evaluated: 2022-08-03. Review status: criteria provided, single submitter. Criteria: ACMG Guidelines, 2015. Collection method: clinical testing. Allele origin: germline.

Labcorp Genetics (formerly Invitae), Labcorp
Classification: Uncertain significance for Dilated cardiomyopathy 1G; Autosomal recessive limb-girdle muscular dystrophy type 2J. Last evaluated: 2017-06-14. Review status: criteria provided, single submitter. Criteria: Invitae Variant Classification Sherloc (09022015). Collection method: clinical testing. Allele origin: germline.

Eurofins Ntd Llc (ga)
Classification: Uncertain significance. Last evaluated: 2016-07-19. Review status: criteria provided, single submitter. Criteria: EGL Classification Definitions 2015. Collection method: clinical testing. Allele origin: germline. Observed: 1 variant allele, 1 heterozygote.